The following is an entry in ClinVar:

ClinVar aggregate classification (germline): Conflicting classifications of pathogenicity. Review status: criteria provided, conflicting classifications (1 of 4 stars). 4 submissions from 4 submitters: Uncertain significance (3); Likely benign (1). Last evaluated 2026-01-27.

Conditions:
Renal cell carcinoma. Identifiers: Orphanet 217071, MedGen C0007134, MeSH D002292, MONDO:0005086, HP:0005584.
Autosomal recessive nonsyndromic hearing loss 97. Also called: Deafness, autosomal recessive 97. Identifiers: Orphanet 90636, MedGen C4084709, MONDO:0014739, OMIM 616705.
Hereditary cancer-predisposing syndrome. Also called: Neoplastic Syndromes, Hereditary; Tumor predisposition; Hereditary Cancer Syndrome; Hereditary neoplastic syndrome. Identifiers: Orphanet 140162, MedGen C0027672, MeSH D009386, MONDO:0015356.
Papillary renal cell carcinoma type 1 (RCCP1). Also called: RENAL CELL CARCINOMA, PAPILLARY, 1, SOMATIC; Renal adenocarcinoma; Renal cell carcinoma 1; Renal cell carcinoma, somatic. Identifiers: Orphanet 47044, MedGen C1336839, OMIM 605074, HP:0011797.

Allele frequency attached by ClinVar (database versions not stated): gnomAD below 0.00001 and 0.00001; gnomAD exomes below 0.00001; ExAC 0.00001; TOPMed 0.00001.
gnomAD v4.1: 10 of 1,613,890 alleles (0.00062%); highest among the groups gnomAD compares: South Asian, 0.0033%; no homozygotes.

Submissions (4):

Labcorp Genetics (formerly Invitae), Labcorp
Classification: Uncertain significance for Renal cell carcinoma. Last evaluated: 2026-01-27. Review status: criteria provided, single submitter. Criteria: Invitae Variant Classification Sherloc (09022015). Collection method: clinical testing. Allele origin: germline.
Comment: This sequence change replaces aspartic acid, which is acidic and polar, with asparagine, which is neutral and polar, at codon 543 of the MET protein (p.Asp543Asn). This variant is present in population databases (rs763991073, gnomAD 0.003%). This variant has not been reported in the literature in individuals affected with MET-related conditions. ClinVar contains an entry for this variant (Variation ID: 819701). Invitae Evidence Modeling of protein sequence and biophysical properties (such as structural, functional, and spatial information, amino acid conservation, physicochemical variation, residue mobility, and thermodynamic stability) indicates that this missense variant is not expected to disrupt MET protein function with a negative predictive value of 80%. In summary, the available evidence is currently insufficient to determine the role of this variant in disease. Therefore, it has been classified as a Variant of Uncertain Significance.

Baylor Genetics
Classification: Uncertain significance for Autosomal recessive nonsyndromic hearing loss 97. Last evaluated: 2023-08-21. Review status: criteria provided, single submitter. Criteria: ACMG Guidelines, 2015. Collection method: clinical testing. Allele origin: unknown.

St. Jude Molecular Pathology, St. Jude Children's Research Hospital
Classification: Uncertain significance for Papillary renal cell carcinoma type 1. Last evaluated: 2023-02-21. Review status: criteria provided, single submitter. Criteria: St. Jude Assertion Criteria 2020. Collection method: clinical testing. Allele origin: germline.
Comment: The MET c.1627G>A (p.Asp543Asn) missense change has a maximum frequency of 0.0033% in gnomAD v2.1.1. The in silico tool REVEL predicts a benign effect on protein function, but to our knowledge this prediction has not been confirmed by functional studies. To our knowledge, this variant has not been reported in individuals with hereditary papillary renal cell carcinoma. In summary, the evidence currently available is insufficient to determine the clinical significance of this variant. It has therefore been classified as of uncertain significance.??

Ambry Genetics
Classification: Likely benign for Hereditary cancer-predisposing syndrome. Last evaluated: 2018-12-14. Review status: criteria provided, single submitter. Criteria: Ambry Variant Classification Scheme 2023. Collection method: clinical testing. Allele origin: germline.

NM_000245.4(MET):c.1627G>A (p.Asp543Asn)

Gene: MET (MET proto-oncogene, receptor tyrosine kinase; plus strand). Cytogenetic location: 7q31.2.
Variant type: single nucleotide variant.
Coding change: c.1627G>A on transcript NM_000245.4 (MANE Select); coding-DNA position 1627, G replaced by A.
Protein change: p.Asp543Asn; replaces aspartic acid 543 with asparagine.
Molecular consequence: missense variant.
Genome position (GRCh38, 1-based): chr7:116,740,951, G>A. VCF-style: chr7-116740951-G-A. GRCh37 (hg19) VCF-style: chr7-116381005-G-A.
Other names: c.1627G>A, p.Asp543Asn (NM_001127500.3, NM_001324401.3); c.337G>A, p.Asp113Asn (NM_001324402.2); short protein forms D113N, D543N.
Identifiers: ClinVar variation 819701 (VCV000819701.12), dbSNP rs763991073, ClinGen allele CA4448212.